The following is an entry in ClinVar:

NM_017671.5(FERMT1):c.298C>T (p.Arg100Cys)

Gene: FERMT1 (FERM domain containing kindlin 1; minus strand). Cytogenetic location: 20p12.3.
Variant type: single nucleotide variant.
Coding change: c.298C>T on transcript NM_017671.5 (MANE Select); coding-DNA position 298, C replaced by T.
Protein change: p.Arg100Cys; replaces arginine 100 with cysteine.
Molecular consequence: missense variant.
Genome position (GRCh38, 1-based): chr20:6,115,898, G>A on the plus strand (C>T on the coding strand, the complement: FERMT1 is on the minus strand). VCF-style: chr20-6115898-G-A. GRCh37 (hg19) VCF-style: chr20-6096545-G-A.
Other names: short protein forms R100C.
Identifiers: ClinVar variation 1961769 (VCV001961769.5), dbSNP rs914756695, ClinGen allele CA311232632.
Genomic context (GRCh38, chr20:6,115,898, plus strand): 5'-CTTTAAAAACCACAGCTGAGAAGCTGACTCGCAACCTCACCATCTTCAAATTCGGCAGAC[G>A]AAGGCGCAGCATTTTATGCTGAGGGGTGAAGAGAAGCTTTGCATCTGCCTGGACCCCATA-3'
Protein context (NP_060141.3, residues 90-110): FTPQHKMLRL[Arg100Cys]LPNLKMVRLR

ClinVar aggregate classification (germline): Uncertain significance (1 of 4 stars; one submission).

Allele frequency attached by ClinVar (database versions not stated): TOPMed 0.00001.
gnomAD v4.1: 15 of 1,614,156 alleles (0.00093%); highest among the groups gnomAD compares: Non-Finnish European, 0.0013%; no homozygotes.

Submission:

Labcorp Genetics (formerly Invitae), Labcorp
Classification: Uncertain significance. Last evaluated: 2025-07-28. Review status: criteria provided, single submitter. Criteria: Invitae Variant Classification Sherloc (09022015). Collection method: clinical testing. Allele origin: germline.
Comment: This sequence change replaces arginine, which is basic and polar, with cysteine, which is neutral and slightly polar, at codon 100 of the FERMT1 protein (p.Arg100Cys). This variant is not present in population databases (gnomAD no frequency). This variant has not been reported in the literature in individuals affected with FERMT1-related conditions. ClinVar contains an entry for this variant (Variation ID: 1961769). Invitae Evidence Modeling of protein sequence and biophysical properties (such as structural, functional, and spatial information, amino acid conservation, physicochemical variation, residue mobility, and thermodynamic stability) indicates that this missense variant is not expected to disrupt FERMT1 protein function with a negative predictive value of 80%. In summary, the available evidence is currently insufficient to determine the role of this variant in disease. Therefore, it has been classified as a Variant of Uncertain Significance.